The following is an entry in ClinVar:

NM_000059.4(BRCA2):c.1806A>T (p.Gly602=)

Gene: BRCA2 (BRCA2 DNA repair associated; plus strand). Cytogenetic location: 13q13.1.
Variant type: single nucleotide variant.
Coding change: c.1806A>T on transcript NM_000059.4 (MANE Select); coding-DNA position 1806, A replaced by T.
Protein change: p.Gly602=; no amino-acid change (glycine 602 retained).
Molecular consequence: synonymous variant.
Genome position (GRCh38, 1-based): chr13:32,333,284, A>T. VCF-style: chr13-32333284-A-T. GRCh37 (hg19) VCF-style: chr13-32907421-A-T.
Identifiers: ClinVar variation 433762 (VCV000433762.2), dbSNP rs876658692, ClinGen allele CA483436890.

ClinVar aggregate classification (germline): Uncertain significance (0 of 4 stars; one submission).

Conditions:
Breast-ovarian cancer, familial, susceptibility to, 2 (BROVCA2). Also called: BRCA2 Hereditary Breast and Ovarian Cancer. Identifiers: Orphanet 145, MedGen C2675520, MONDO:0012933, OMIM 612555. Disease mechanism: loss of function.

Submission:

Department of Pathology and Laboratory Medicine, Sinai Health System
Classification: Uncertain significance for Breast-ovarian cancer, familial, susceptibility to, 2. Review status: no assertion criteria provided. Collection method: clinical testing. Allele origin: unknown. Affected: yes. Study: The Canadian Open Genetics Repository (COGR).
Comment: The BRCA2 p.Gly602Gly variant was not identified in the literature but was identified in LOVD, and once in UMD as an unclassified variant. The variant is not located in a known consensus splice site, but four in-silico or computational prediction software programs (SpliceSiteFinder, MaxEntScan, NNSPLICE, HumanSpliceFinder) predict a greater than 10% difference in splicing with the variant nucleotide. However, this information is not predictive enough to assume pathogenicity. In summary, based on the above information, the clinical significance of this variant cannot be determined with certainty at this time. This variant is classified as a variant of unknown significance.